The following is an entry in ClinVar:

NM_001943.5(DSG2):c.2935T>G (p.Tyr979Asp)

Genes: DSG2 (desmoglein 2; plus strand), DSG2-AS1 (DSG2 antisense RNA 1; minus strand). Cytogenetic location: 18q12.1.
Variant type: single nucleotide variant.
Coding change: c.2935T>G on transcript NM_001943.5 (MANE Select); coding-DNA position 2935, T replaced by G.
Protein change: p.Tyr979Asp; replaces tyrosine 979 with aspartic acid.
Molecular consequence: missense variant.
Genome position (GRCh38, 1-based): chr18:31,546,321, T>G. VCF-style: chr18-31546321-T-G. GRCh37 (hg19) VCF-style: chr18-29126284-T-G.
Other names: short protein forms Y979D.
Identifiers: ClinVar variation 1331784 (VCV001331784.3), dbSNP rs2144360697, ClinGen allele CA402147434.

ClinVar aggregate classification (germline): Uncertain significance (1 of 4 stars; one submission).

Conditions:
Cardiomyopathy (CMYO). Also called: Cardiomyopathies. Identifiers: Orphanet 167848, MedGen C0878544, MONDO:0004994, HP:0001638. Inheritance: Various modes of inheritance.

Submission:

Color Diagnostics, LLC DBA Color Health
Classification: Uncertain significance for Cardiomyopathy. Last evaluated: 2024-03-07. Review status: criteria provided, single submitter. Criteria: ACMG Guidelines, 2015. Collection method: clinical testing. Allele origin: germline.
Comment: This missense variant replaces tyrosine with aspartic acid at codon 979 of the DSG2 protein. Computational prediction suggests that this variant may not impact protein structure and function (internally defined REVEL score threshold <= 0.5, PMID: 27666373). To our knowledge, functional studies have not been reported for this variant. This variant has not been reported in individuals affected with cardiovascular disorders in the literature. This variant has not been identified in the general population by the Genome Aggregation Database (gnomAD). The available evidence is insufficient to determine the role of this variant in disease conclusively. Therefore, this variant is classified as a Variant of Uncertain Significance.